The following is an entry in ClinVar:

ClinVar aggregate classification (germline): Uncertain significance. Review status: criteria provided, multiple submitters, no conflicts (2 of 4 stars). 3 submissions from 3 submitters: Uncertain significance (3). Last evaluated 2026-01-18.

Conditions:
Inborn genetic diseases. Identifiers: MedGen C0950123, MeSH D030342.
Rothmund-Thomson syndrome type 2 (RTS2). Identifiers: Orphanet 221016, MedGen C5203410, MONDO:0016369, OMIM 268400.
Baller-Gerold syndrome (BGS). Also called: CRANIOSYNOSTOSIS WITH RADIAL DEFECTS. Identifiers: Orphanet 1225, MedGen C0265308, MONDO:0009039, OMIM 218600.

gnomAD v4.1: 3 of 1,552,178 alleles (0.00019%); highest among the groups gnomAD compares: Admixed American, 0.0039%; no homozygotes.

Submissions (3):

Ambry Genetics
Classification: Uncertain significance for Inborn genetic diseases. Last evaluated: 2026-01-18. Review status: criteria provided, single submitter. Criteria: Ambry Variant Classification Scheme 2023. Collection method: clinical testing. Allele origin: germline.
Comment: The p.R696P variant (also known as c.2087G>C), located in coding exon 13 of the RECQL4 gene, results from a G to C substitution at nucleotide position 2087. The arginine at codon 696 is replaced by proline, an amino acid with dissimilar properties. This amino acid position is conserved. In addition, this alteration is predicted to be deleterious by in silico analysis. Based on the available evidence, the clinical significance of this variant remains unclear.

St. Jude Molecular Pathology, St. Jude Children's Research Hospital
Classification: Uncertain significance for Rothmund-Thomson syndrome type 2. Last evaluated: 2025-02-05. Review status: criteria provided, single submitter. Criteria: St. Jude Assertion Criteria 2020. Collection method: clinical testing. Allele origin: germline.
Comment: The RECQL4 c.2087G>C (p.Arg696Pro) missense change is absent in gnomAD v2.1.1. In silico tools are inconclusive about a pathogenic or benign effect of this variant on protein function, and to our knowledge functional studies have not been performed. To our knowledge, this variant has not been reported in individuals with RECQL4-associated conditions. In summary, the evidence currently available is insufficient to determine the clinical significance of this variant. It has therefore been classified as of uncertain significance.

Labcorp Genetics (formerly Invitae), Labcorp
Classification: Uncertain significance for Baller-Gerold syndrome. Last evaluated: 2023-10-30. Review status: criteria provided, single submitter. Criteria: Invitae Variant Classification Sherloc (09022015). Collection method: clinical testing. Allele origin: germline.
Comment: This sequence change replaces arginine, which is basic and polar, with proline, which is neutral and non-polar, at codon 696 of the RECQL4 protein (p.Arg696Pro). This variant is not present in population databases (gnomAD no frequency). This variant has not been reported in the literature in individuals affected with RECQL4-related conditions. ClinVar contains an entry for this variant (Variation ID: 639796). Advanced modeling of protein sequence and biophysical properties (such as structural, functional, and spatial information, amino acid conservation, physicochemical variation, residue mobility, and thermodynamic stability) performed at Invitae indicates that this missense variant is not expected to disrupt RECQL4 protein function with a negative predictive value of 80%. In summary, the available evidence is currently insufficient to determine the role of this variant in disease. Therefore, it has been classified as a Variant of Uncertain Significance.

NM_004260.4(RECQL4):c.2087G>C (p.Arg696Pro)

Gene: RECQL4 (RecQ like helicase 4; minus strand). Cytogenetic location: 8q24.3.
Variant type: single nucleotide variant.
Coding change: c.2087G>C on transcript NM_004260.4 (MANE Select); coding-DNA position 2087, G replaced by C.
Protein change: p.Arg696Pro; replaces arginine 696 with proline.
Molecular consequence: missense variant.
Genome position (GRCh38, 1-based): chr8:144,513,684, C>G on the plus strand (G>C on the coding strand, the complement: RECQL4 is on the minus strand). VCF-style: chr8-144513684-C-G. GRCh37 (hg19) VCF-style: chr8-145739068-C-G.
Other names: short protein forms R696P.
Identifiers: ClinVar variation 639796 (VCV000639796.7), dbSNP rs1026729951, ClinGen allele CA372680003.
Genomic context (GRCh38, chr8:144,513,684, plus strand): 5'-ATCCGCTCTGTGTCCTCGCGCCGGTTGCAGTAAATGATAATGGAATCGAGGTTTTGAAAA[C>G]GTTTGCCTTGCAGCAGCGTCAACAGTGCCTGATGAGGAGCGGTTGGCGTGGGCAGTGGGG-3'
Protein context (NP_004251.4, residues 686-706): QALLTLLQGK[Arg696Pro]FQNLDSIIIY